The following is an entry in ClinVar:

NC_000010.11:g.71682535dup

Gene: CDH23 (cadherin related 23; plus strand). Cytogenetic location: 10q22.1.
Variant type: Duplication.
Genome position: GRCh38 VCF-style: chr10-71682529-A-AC. GRCh37 (hg19) VCF-style: chr10-73442286-A-AC.
Other names: NM_022124.5:c.1949dupC; p.Leu651SerfsX13; c.1949dup, p.Leu651fs (NM_001171930.2, NM_001171931.2, NM_022124.6); short protein forms L651fs.
Identifiers: ClinVar variation 228328 (VCV000228328.29), dbSNP rs753886326, ClinGen allele CA10576807.

ClinVar aggregate classification (germline): Pathogenic/Likely pathogenic. Review status: criteria provided, multiple submitters, no conflicts (2 of 4 stars). 3 submissions from 3 submitters: Pathogenic (2); Likely pathogenic (1). Last evaluated 2024-03-13.

Conditions:
Usher syndrome. Also called: Usher's syndrome; Usher Syndromes. Identifiers: Orphanet 886, MedGen CN469326, MeSH D052245, MONDO:0019501. Disease mechanism: loss of function.
Usher syndrome type 1D (USH1D). Also called: USHER SYNDROME, TYPE ID. Identifiers: Orphanet 231169, Orphanet 886, MedGen C1832845, MONDO:0010984, OMIM 601067.
Pituitary adenoma 5, multiple types. Identifiers: MedGen C4539685, MONDO:0054601, OMIM 617540.
Autosomal recessive nonsyndromic hearing loss 12. Also called: DEAFNESS, AUTOSOMAL RECESSIVE 12. Identifiers: Orphanet 90636, MedGen C1832394, MONDO:0011067, OMIM 601386.
Rare genetic deafness. Identifiers: Orphanet 96210, MedGen C5680250.

Submissions (3):

Fulgent Genetics
Classification: Likely pathogenic for Usher syndrome type 1D; Autosomal recessive nonsyndromic hearing loss 12; Pituitary adenoma 5, multiple types. Last evaluated: 2024-03-13. Review status: criteria provided, single submitter. Criteria: ACMG Guidelines, 2015. Collection method: clinical testing. Allele origin: germline.

SN ONGC Dept of Genetics and Molecular biology Vision Research Foundation
Classification: Pathogenic for Usher syndrome. Last evaluated: 2022-12-31. Review status: criteria provided, single submitter. Criteria: ACMG Guidelines, 2015. Collection method: research. Allele origin: unknown. Affected: yes. Observed: 1 variant allele, 1 homozygote.

Laboratory for Molecular Medicine, Mass General Brigham Personalized Medicine
Classification: Pathogenic for Rare genetic deafness. Last evaluated: 2014-12-31. Review status: criteria provided, single submitter. Criteria: LMM Criteria. Collection method: clinical testing. Allele origin: germline. Inheritance: Autosomal recessive inheritance. Observed: 1 variant allele.
Comment: The p.Leu651fs variant in CDH23 has not been previously reported in individuals with hearing loss and was absent from large population studies. This variant is predicted to cause a frameshift, which alters the protein's amino acid sequence beginning at codon 651 and leads to a premature stop codon 13 codons downstream. This alteration is then predicted to lead to a truncated or absent protein. In summary, this variant meets our criteria to be classified as pathogenic for auto somal recessive Usher syndrome (ce/LMM).